The following is an entry in ClinVar:

ClinVar aggregate classification (germline): Conflicting classifications of pathogenicity. Review status: criteria provided, conflicting classifications (1 of 4 stars). 3 submissions from 3 submitters: Uncertain significance (2); Likely benign (1). Last evaluated 2025-12-22.

Conditions:
Congenital muscular dystrophy due to integrin alpha-7 deficiency. Also called: MYOPATHY, CONGENITAL, DUE TO INTEGRIN ALPHA-7 DEFICIENCY; Congenital muscular dystrophy with integrin alpha-7 deficiency; Muscular dystrophy, congenital, due to ITGA7 deficiency. Identifiers: Orphanet 34520, MedGen C2750786, MONDO:0013177, OMIM 613204.

Allele frequency attached by ClinVar (database versions not stated): gnomAD 0.00003 and 0.00004; gnomAD exomes 0.00003 and 0.00017; TOPMed 0.00009; ExAC 0.00022.
gnomAD v4.1: 50 of 1,614,010 alleles (0.0031%); highest among the groups gnomAD compares: East Asian, 0.091%; 1 homozygote.

Submissions (3):

Labcorp Genetics (formerly Invitae), Labcorp
Classification: Likely benign for Congenital muscular dystrophy due to integrin alpha-7 deficiency. Last evaluated: 2025-12-22. Review status: criteria provided, single submitter. Criteria: Invitae Variant Classification Sherloc (09022015). Collection method: clinical testing. Allele origin: germline.

Ambry Genetics
Classification: Uncertain significance. Last evaluated: 2025-08-14. Review status: criteria provided, single submitter. Criteria: Ambry Variant Classification Scheme 2023. Collection method: clinical testing. Allele origin: germline.

Juno Genomics, Hangzhou Juno Genomics, Inc
Classification: Uncertain significance for Congenital muscular dystrophy due to integrin alpha-7 deficiency. Review status: criteria provided, single submitter. Criteria: ACMG Guidelines, 2015. Collection method: clinical testing. Allele origin: germline. Affected: yes.
Comment: Absent from controls (or at extremely low frequency if recessive) in Genome Aggregation Database, Exome Sequencing Project, 1000 Genomes Project, or Exome Aggregation Consortium.;Multiple lines of computational evidence suggest no impact on gene or gene product (conservation, evolutionary, splicing impact, etc).;Patient's phenotype or family history is highly specific for a disease with a single genetic etiology.;For recessive disorders, detected in trans with a pathogenic variant.

NM_002206.3(ITGA7):c.1481A>G (p.Asn494Ser)

Gene: ITGA7 (integrin subunit alpha 7; minus strand). Cytogenetic location: 12q13.2.
Variant type: single nucleotide variant.
Coding change: c.1481A>G on transcript NM_002206.3 (MANE Select); coding-DNA position 1481, A replaced by G.
Protein change: p.Asn494Ser; replaces asparagine 494 with serine.
Molecular consequence: missense variant.
Genome position (GRCh38, 1-based): chr12:55,697,475, T>C on the plus strand (A>G on the coding strand, the complement: ITGA7 is on the minus strand). VCF-style: chr12-55697475-T-C. GRCh37 (hg19) VCF-style: chr12-56091259-T-C.
Other names: c.1493A>G, p.Asn498Ser (NM_001144996.2, NM_001414029.1); c.1202A>G, p.Asn401Ser (NM_001144997.2); c.1154A>G, p.Asn385Ser (NM_001367993.1); c.137A>G, p.Asn46Ser (NM_001367994.1); c.1481A>G, p.Asn494Ser (NM_001374465.1, NM_001414034.1); c.1613A>G, p.Asn538Ser (NM_001410977.1); c.1406A>G, p.Asn469Ser (NM_001414030.1); c.1394A>G, p.Asn465Ser (NM_001414031.1); and 3 more; short protein forms N494S, N401S, N46S, N498S, N385S, N538S, N381S, N433S.
Identifiers: ClinVar variation 788193 (VCV000788193.12), dbSNP rs374707420, ClinGen allele CA6615949.